The following is an entry in ClinVar:

ClinVar aggregate classification (germline): Uncertain significance. Review status: criteria provided, multiple submitters, no conflicts (2 of 4 stars). 2 submissions from 2 submitters: Uncertain significance (2). Last evaluated 2022-10-20.

Conditions:
Colorectal cancer, hereditary nonpolyposis, type 7. Identifiers: Orphanet 144, MedGen C1858380, MONDO:0013725, OMIM 614385.

Submissions (2):

Ambry Genetics
Classification: Uncertain significance. Last evaluated: 2022-10-20. Review status: criteria provided, single submitter. Criteria: Ambry Variant Classification Scheme 2023. Collection method: clinical testing. Allele origin: germline.
Comment: The p.E1312A variant (also known as c.3935A>C), located in coding exon 8 of the MLH3 gene, results from an A to C substitution at nucleotide position 3935. The glutamic acid at codon 1312 is replaced by alanine, an amino acid with dissimilar properties. This amino acid position is conserved. In addition, this alteration is predicted to be deleterious by in silico analysis. Since supporting evidence is limited at this time, the clinical significance of this alteration remains unclear.

Labcorp Genetics (formerly Invitae), Labcorp
Classification: Uncertain significance for Colorectal cancer, hereditary nonpolyposis, type 7. Last evaluated: 2019-09-26. Review status: criteria provided, single submitter. Criteria: Invitae Variant Classification Sherloc (09022015). Collection method: clinical testing. Allele origin: germline.
Comment: Algorithms developed to predict the effect of missense changes on protein structure and function are either unavailable or do not agree on the potential impact of this missense change (SIFT: "Deleterious"; PolyPhen-2: "Probably Damaging"; Align-GVGD: "Class C0"). This variant has not been reported in the literature in individuals with MLH3-related conditions. This variant is not present in population databases (ExAC no frequency). This sequence change replaces glutamic acid with alanine at codon 1312 of the MLH3 protein (p.Glu1312Ala). The glutamic acid residue is highly conserved and there is a moderate physicochemical difference between glutamic acid and alanine. In summary, the available evidence is currently insufficient to determine the role of this variant in disease. Therefore, it has been classified as a Variant of Uncertain Significance.

NM_001040108.2(MLH3):c.3935A>C (p.Glu1312Ala)

Gene: MLH3 (mutL homolog 3; minus strand). Cytogenetic location: 14q24.3.
Variant type: single nucleotide variant.
Coding change: c.3935A>C on transcript NM_001040108.2 (MANE Select); coding-DNA position 3935, A replaced by C.
Protein change: p.Glu1312Ala; replaces glutamic acid 1312 with alanine.
Molecular consequence: missense variant.
Genome position (GRCh38, 1-based): chr14:75,030,595, T>G on the plus strand (A>C on the coding strand, the complement: MLH3 is on the minus strand). VCF-style: chr14-75030595-T-G. GRCh37 (hg19) VCF-style: chr14-75497298-T-G.
Other names: c.3863A>C, p.Glu1288Ala (NM_014381.3); short protein forms E1288A, E1312A.
Identifiers: ClinVar variation 942960 (VCV000942960.12), dbSNP rs1890982249, ClinGen allele CA390422650.
Genomic context (GRCh38, chr14:75,030,595, plus strand): 5'-TGTCTTACCTCCACAATACTCTTGGTCACAGTAGATCTTCCTCTCCGAAGTTCATTGGCT[T>G]CTCTTTCCACAAAACATAGTGGTACTTTTCCCACAAGGACCAGAGAATCACTAGTGTCTG-3'
Protein context (NP_001035197.1, residues 1302-1322): GKVPLCFVER[Glu1312Ala]ANELRRGRST